The following is an entry in ClinVar:

ClinVar aggregate classification (germline): Uncertain significance (1 of 4 stars; one submission).

Conditions:
Hereditary cancer-predisposing syndrome. Also called: Tumor predisposition; Hereditary Cancer Syndrome; Hereditary neoplastic syndrome; Neoplastic Syndromes, Hereditary. Identifiers: Orphanet 140162, MedGen C0027672, MeSH D009386, MONDO:0015356.

gnomAD v4.1: 2 of 1,609,668 alleles (0.00012%); highest among the groups gnomAD compares: Non-Finnish European, 0.00017%; no homozygotes.

Submission:

Ambry Genetics
Classification: Uncertain significance for Hereditary cancer-predisposing syndrome. Last evaluated: 2025-10-09. Review status: criteria provided, single submitter. Criteria: Ambry Variant Classification Scheme 2023. Collection method: clinical testing. Allele origin: germline.
Comment: The p.V1407E variant (also known as c.4220T>A), located in coding exon 33 of the TSC2 gene, results from a T to A substitution at nucleotide position 4220. The valine at codon 1407 is replaced by glutamic acid, an amino acid with dissimilar properties. This amino acid position is conserved. In addition, the in silico prediction for this alteration is inconclusive. Based on the available evidence, the clinical significance of this variant remains unclear.

NM_000548.5(TSC2):c.4220T>A (p.Val1407Glu)

Gene: TSC2 (TSC complex subunit 2; plus strand). Cytogenetic location: 16p13.3.
Variant type: single nucleotide variant.
Coding change: c.4220T>A on transcript NM_000548.5 (MANE Select); coding-DNA position 4220, T replaced by A.
Protein change: p.Val1407Glu; replaces valine 1407 with glutamic acid.
Molecular consequence: missense variant. On other transcripts: non-coding transcript variant (5).
Genome position (GRCh38, 1-based): chr16:2,084,442, T>A. VCF-style: chr16-2084442-T-A. GRCh37 (hg19) VCF-style: chr16-2134443-T-A.
Other names: c.4019T>A, p.Val1340Glu (NM_001077183.3); c.4151T>A, p.Val1384Glu (NM_001114382.3); c.3911T>A, p.Val1304Glu (NM_001318827.2); c.3875T>A, p.Val1292Glu (NM_001318829.2); c.3488T>A, p.Val1163Glu (NM_001318831.2); c.4052T>A, p.Val1351Glu (NM_001318832.2); c.4022T>A, p.Val1341Glu (NM_001363528.2); c.4088T>A, p.Val1363Glu (NM_001370404.1); and 26 more; short protein forms V1140E, V1291E, V1304E, V1336E, V1341E, V1347E, V1370E, V1381E.
Identifiers: ClinVar variation 4555538 (VCV004555538.1).